The following is an entry in ClinVar:

ClinVar aggregate classification (germline): Uncertain significance. Review status: criteria provided, multiple submitters, no conflicts (2 of 4 stars). 2 submissions from 2 submitters: Uncertain significance (2). Last evaluated 2024-04-11.

Conditions:
Nephronophthisis. Also called: Juvenile Nephronophthisis. Identifiers: Orphanet 655, MedGen C0687120, MONDO:0019005, HP:0000090.
Jeune thoracic dystrophy. Also called: Jeune syndrome; Infantile thoracic dystrophy; Thoracic pelvic phalangeal dystrophy; Jeune's syndrome; Chondroectodermal dysplasia-like syndrome; Short-rib thoracic dysplasia. Identifiers: Orphanet 474, MedGen C0265275, MONDO:0018770.
Asphyxiating thoracic dystrophy 4 (SRTD4). Also called: SHORT-RIB THORACIC DYSPLASIA 4; SHORT-RIB THORACIC DYSPLASIA 4 WITH OR WITHOUT POLYDACTYLY. Identifiers: Orphanet 474, MedGen C3151185, MONDO:0013441, OMIM 613819.
Nephronophthisis 12 (NPHP12). Identifiers: Orphanet 655, MedGen C3151186, MONDO:0013442, OMIM 613820.

Allele frequency attached by ClinVar (database versions not stated): TOPMed below 0.00001; gnomAD 0.00001.
gnomAD v4.1: 26 of 1,612,136 alleles (0.0016%); highest among the groups gnomAD compares: Non-Finnish European, 0.0022%; no homozygotes.

Submissions (2):

Fulgent Genetics
Classification: Uncertain significance for Asphyxiating thoracic dystrophy 4; Nephronophthisis 12. Last evaluated: 2024-04-11. Review status: criteria provided, single submitter. Criteria: ACMG Guidelines, 2015. Collection method: clinical testing. Allele origin: germline.

Labcorp Genetics (formerly Invitae), Labcorp
Classification: Uncertain significance for Jeune thoracic dystrophy; Nephronophthisis. Last evaluated: 2022-07-25. Review status: criteria provided, single submitter. Criteria: Invitae Variant Classification Sherloc (09022015). Collection method: clinical testing. Allele origin: germline.
Comment: This sequence change replaces methionine, which is neutral and non-polar, with threonine, which is neutral and polar, at codon 828 of the TTC21B protein (p.Met828Thr). In summary, the available evidence is currently insufficient to determine the role of this variant in disease. Therefore, it has been classified as a Variant of Uncertain Significance. Algorithms developed to predict the effect of missense changes on protein structure and function output the following: SIFT: "Tolerated"; PolyPhen-2: "Benign"; Align-GVGD: "Class C0". The threonine amino acid residue is found in multiple mammalian species, which suggests that this missense change does not adversely affect protein function. ClinVar contains an entry for this variant (Variation ID: 1511830). This variant has not been reported in the literature in individuals affected with TTC21B-related conditions. This variant is present in population databases (rs767841175, gnomAD 0.004%).

NM_024753.5(TTC21B):c.2483T>C (p.Met828Thr)

Gene: TTC21B (tetratricopeptide repeat domain 21B; minus strand). Cytogenetic location: 2q24.3.
Variant type: single nucleotide variant.
Coding change: c.2483T>C on transcript NM_024753.5 (MANE Select); coding-DNA position 2483, T replaced by C.
Protein change: p.Met828Thr; replaces methionine 828 with threonine.
Molecular consequence: missense variant.
Genome position (GRCh38, 1-based): chr2:165,907,763, A>G on the plus strand (T>C on the coding strand, the complement: TTC21B is on the minus strand). VCF-style: chr2-165907763-A-G. GRCh37 (hg19) VCF-style: chr2-166764273-A-G.
Other names: short protein forms M828T.
Identifiers: ClinVar variation 1511830 (VCV001511830.9), dbSNP rs767841175, ClinGen allele CA59792817.